The following is an entry in ClinVar:

ClinVar aggregate classification (germline): Pathogenic (1 of 4 stars; one submission).

Conditions:
Hereditary cancer-predisposing syndrome. Also called: Tumor predisposition; Neoplastic Syndromes, Hereditary; Hereditary Cancer Syndrome; Hereditary neoplastic syndrome. Identifiers: Orphanet 140162, MedGen C0027672, MeSH D009386, MONDO:0015356.

Submission:

Color Diagnostics, LLC DBA Color Health
Classification: Pathogenic for Hereditary cancer-predisposing syndrome. Last evaluated: 2021-05-17. Review status: criteria provided, single submitter. Criteria: ACMG Guidelines, 2015. Collection method: clinical testing. Allele origin: germline.
Comment: This variant inserts 1 nucleotide in exon 41 of the ATM gene, creating a frameshift and premature translation stop signal. This variant is expected to result in an absent or non-functional protein product. This variant has not been identified in the general population by the Genome Aggregation Database (gnomAD). Loss of ATM function is a known mechanism of disease. Based on the available evidence, this variant is classified as Pathogenic.

NM_000051.4(ATM):c.6007delG (p.Asp2003fs)

Genes: ATM (ATM serine/threonine kinase; plus strand), C11orf65 (chromosome 11 open reading frame 65; minus strand). Cytogenetic location: 11q22.3.
Variant type: Deletion.
Coding change: c.6007delG on transcript NM_000051.4 (MANE Select); coding-DNA position 6007, G deleted.
Protein change: p.Asp2003fs; shifts the reading frame from aspartic acid 2003.
Molecular consequence: frameshift variant, splice acceptor variant. On other transcripts: intron variant (2).
Genome position: GRCh38 VCF-style: chr11-108315821-AG-A. GRCh37 (hg19) VCF-style: chr11-108186548-AG-A.
Other names: c.6007delG, p.Asp2003fs (NM_001351834.2); c.641-6752del (NM_001330368.2); c.*39-6752del (NM_001351110.2); c.6007dup (NM_000051.3); short protein forms D2003fs.
Identifiers: ClinVar variation 1331733 (VCV001331733.4), dbSNP rs1555113505, ClinGen allele CA2573053407.